The following is an entry in ClinVar:

ClinVar aggregate classification (germline): Uncertain significance (1 of 4 stars; one submission).

Allele frequency attached by ClinVar (database versions not stated): TOPMed 0.00016; ExAC 0.00025; gnomAD exomes 0.00033; ESP Exome Variant Server 0.00016; gnomAD 0.00020.

Submission:

GeneDx
Classification: Uncertain significance. Last evaluated: 2025-02-10. Review status: criteria provided, single submitter. Criteria: GeneDx Variant Classification Process June 2021. Collection method: clinical testing. Allele origin: germline.
Comment: Frameshift variant predicted to result in protein truncation or nonsense mediated decay in a gene for which loss of function is a known mechanism of disease; Has not been previously published as pathogenic or benign to our knowledge

NM_001004320.2(AGMO):c.842dup (p.Trp282fs)

Gene: AGMO (alkylglycerol monooxygenase; minus strand). Cytogenetic location: 7p21.2.
Variant type: Duplication.
Coding change: c.842dup on transcript NM_001004320.2 (MANE Select); coding-DNA position 842, one base duplicated (T; older notation c.842dupT).
Protein change: p.Trp282fs; shifts the reading frame from tryptophan 282.
Molecular consequence: frameshift variant.
Genome position (GRCh38, 1-based): chr7:15,387,521, A duplicated on the plus strand (T on the coding strand, the reverse complement: AGMO is on the minus strand). VCF-style (leftmost placement, unchanged base first): chr7-15387520-T-TA. GRCh37 (hg19) VCF-style: chr7-15427145-T-TA.
Other names: short protein forms W282fs.
Identifiers: ClinVar variation 2577601 (VCV002577601.2), dbSNP rs759729273, ClinGen allele CA4168511.